The following is an entry in ClinVar:

ClinVar aggregate classification (germline): Pathogenic (1 of 4 stars; one submission).

Allele frequency attached by ClinVar (database versions not stated): gnomAD exomes below 0.00001.
gnomAD v4.1: 1 of 1,613,930 alleles (0.000062%); highest among the groups gnomAD compares: Non-Finnish European, 0.000085%; no homozygotes.

Submission:

Labcorp Genetics (formerly Invitae), Labcorp
Classification: Pathogenic. Last evaluated: 2022-05-31. Review status: criteria provided, single submitter. Criteria: Invitae Variant Classification Sherloc (09022015). Collection method: clinical testing. Allele origin: germline.
Comment: This sequence change creates a premature translational stop signal (p.Gln1250*) in the VPS13A gene. It is expected to result in an absent or disrupted protein product. Loss-of-function variants in VPS13A are known to be pathogenic (PMID: 12404112, 21598378). This variant is not present in population databases (gnomAD no frequency). This variant has not been reported in the literature in individuals affected with VPS13A-related conditions. For these reasons, this variant has been classified as Pathogenic.

Literature cited by the submitters: PubMed 12404112; PubMed 21598378.

NM_033305.3(VPS13A):c.3748C>T (p.Gln1250Ter)

Gene: VPS13A (vacuolar protein sorting 13 homolog A; plus strand). Cytogenetic location: 9q21.2.
Variant type: single nucleotide variant.
Coding change: c.3748C>T on transcript NM_033305.3 (MANE Select); coding-DNA position 3748, C replaced by T.
Protein change: p.Gln1250Ter; replaces glutamine 1250 with a stop codon.
Molecular consequence: nonsense.
Genome position (GRCh38, 1-based): chr9:77,295,782, C>T. VCF-style: chr9-77295782-C-T. GRCh37 (hg19) VCF-style: chr9-79910698-C-T.
Other names: c.3631C>T, p.Gln1211Ter (NM_001018037.2); c.3748C>T, p.Gln1250Ter (NM_001018038.3, NM_015186.4); short protein forms Q1250*, Q1211*.
Identifiers: ClinVar variation 1963133 (VCV001963133.5), dbSNP rs2537897041, ClinGen allele CA373850735.